The following is an entry in ClinVar:

NM_001261826.3(AP3D1):c.205G>A (p.Gly69Arg)

Gene: AP3D1 (adaptor related protein complex 3 subunit delta 1; minus strand). Cytogenetic location: 19p13.3.
Variant type: single nucleotide variant.
Coding change: c.205G>A on transcript NM_001261826.3 (MANE Select); coding-DNA position 205, G replaced by A.
Protein change: p.Gly69Arg; replaces glycine 69 with arginine.
Molecular consequence: missense variant.
Genome position (GRCh38, 1-based): chr19:2,137,795, C>T on the plus strand (G>A on the coding strand, the complement: AP3D1 is on the minus strand). VCF-style: chr19-2137795-C-T. GRCh37 (hg19) VCF-style: chr19-2137794-C-T.
Other names: c.205G>A, p.Gly69Arg (NM_001374799.1, NM_003938.8); short protein forms G69R.
Identifiers: ClinVar variation 3655066 (VCV003655066.2).
Genomic context (GRCh38, chr19:2,137,795, plus strand): 5'-TGAACTTGGAGGCACTCATCACTTCTATGATGTTGAAGGCGGCCCAGCTGATGTCGTATC[C>T]CAACATCTGTAACTGTTAAGGGACGCACAGGAAATTGCACTCACAAGCCAAAGCAGAGAG-3'
Protein context (NP_001248755.1, residues 59-79): VCKLTYLQML[Gly69Arg]YDISWAAFNI

ClinVar aggregate classification (germline): Uncertain significance (1 of 4 stars; one submission).

gnomAD v4.1: 1 of 1,613,968 alleles (0.000062%); highest among the groups gnomAD compares: Non-Finnish European, 0.000085%; no homozygotes.

Submission:

Labcorp Genetics (formerly Invitae), Labcorp
Classification: Uncertain significance. Last evaluated: 2024-05-29. Review status: criteria provided, single submitter. Criteria: Invitae Variant Classification Sherloc (09022015). Collection method: clinical testing. Allele origin: germline.
Comment: This sequence change replaces glycine, which is neutral and non-polar, with arginine, which is basic and polar, at codon 69 of the AP3D1 protein (p.Gly69Arg). This variant is not present in population databases (gnomAD no frequency). This variant has not been reported in the literature in individuals affected with AP3D1-related conditions. An algorithm developed to predict the effect of missense changes on protein structure and function (PolyPhen-2) suggests that this variant is likely to be disruptive. In summary, the available evidence is currently insufficient to determine the role of this variant in disease. Therefore, it has been classified as a Variant of Uncertain Significance.